The following is an entry in ClinVar:

NM_003865.3(HESX1):c.290T>C (p.Leu97Pro)

Gene: HESX1 (HESX homeobox 1; minus strand). Cytogenetic location: 3p14.3.
Variant type: single nucleotide variant.
Coding change: c.290T>C on transcript NM_003865.3 (MANE Select); coding-DNA position 290, T replaced by C.
Protein change: p.Leu97Pro; replaces leucine 97 with proline.
Molecular consequence: missense variant.
Genome position (GRCh38, 1-based): chr3:57,198,820, A>G on the plus strand (T>C on the coding strand, the complement: HESX1 is on the minus strand). VCF-style: chr3-57198820-A-G. GRCh37 (hg19) VCF-style: chr3-57232848-A-G.
Other names: c.290T>C, p.Leu97Pro (NM_001376058.1, NM_001376059.1, NM_001376060.1 and 1 more transcripts); short protein forms L97P.
Identifiers: ClinVar variation 4995278 (VCV004995278.1).
Genomic context (GRCh38, chr3:57,198,820, plus strand): 5'-TGAGTAAAAGCAGTTCTTGGTCTTCGGCCTCTATACCAACTCAACTCTCTTTTCAAAGAC[A>G]GTCTTTCTGAGGCTGAAAAGTAATTTTCATATTTCGAAGCTCTTTCTTCTGGCATTGGGT-3'
Protein context (NP_003856.1, residues 87-107): YENYFSASER[Leu97Pro]SLKRELSWYR

ClinVar aggregate classification (germline): Uncertain significance (1 of 4 stars; one submission).

Conditions:
HESX1-related disorder. Also called: HESX1-related condition.

Submission:

PreventionGenetics, part of Exact Sciences
Classification: Uncertain significance for HESX1-related condition. Last evaluated: 2026-07-24. Review status: criteria provided, single submitter. Criteria: ACMG Guidelines, 2015. Collection method: clinical testing. Allele origin: germline.
Comment: The HESX1 c.290T>C variant is predicted to result in the amino acid substitution p.Leu97Pro. To our knowledge, this variant has not been reported in the literature or in a large population database (gnomAD), indicating this variant is rare. At this time, the clinical significance of this variant is uncertain due to the absence of conclusive functional and genetic evidence.